The following is an entry in ClinVar:

ClinVar aggregate classification (germline): Uncertain significance. Review status: criteria provided, multiple submitters, no conflicts (2 of 4 stars). 2 submissions from 2 submitters: Uncertain significance (2). Last evaluated 2026-01-07.

Conditions:
Hereditary cancer-predisposing syndrome. Also called: Hereditary Cancer Syndrome; Hereditary neoplastic syndrome; Neoplastic Syndromes, Hereditary; Tumor predisposition. Identifiers: Orphanet 140162, MedGen C0027672, MeSH D009386, MONDO:0015356.
Neuroblastoma, susceptibility to, 3. Also called: ALK-Related Neuroblastic Tumor Susceptibility. Identifiers: Orphanet 635, MedGen C2751681, MONDO:0013083, OMIM 613014.

Submissions (2):

Labcorp Genetics (formerly Invitae), Labcorp
Classification: Uncertain significance for Neuroblastoma, susceptibility to, 3. Last evaluated: 2026-01-07. Review status: criteria provided, single submitter. Criteria: Invitae Variant Classification Sherloc (09022015). Collection method: clinical testing. Allele origin: germline.
Comment: This sequence change replaces asparagine, which is neutral and polar, with threonine, which is neutral and polar, at codon 1613 of the ALK protein (p.Asn1613Thr). This variant is present in population databases (rs368300433, gnomAD 0.007%). This variant has not been reported in the literature in individuals affected with ALK-related conditions. ClinVar contains an entry for this variant (Variation ID: 3524716). An algorithm developed to predict the effect of missense changes on protein structure and function (PolyPhen-2) suggests that this variant is likely to be tolerated. In summary, the available evidence is currently insufficient to determine the role of this variant in disease. Therefore, it has been classified as a Variant of Uncertain Significance.

Ambry Genetics
Classification: Uncertain significance for Hereditary cancer-predisposing syndrome. Last evaluated: 2024-09-20. Review status: criteria provided, single submitter. Criteria: Ambry Variant Classification Scheme 2023. Collection method: clinical testing. Allele origin: germline.
Comment: The p.N1613T variant (also known as c.4838A>C), located in coding exon 29 of the ALK gene, results from an A to C substitution at nucleotide position 4838. The asparagine at codon 1613 is replaced by threonine, an amino acid with similar properties. This amino acid position is conserved. In addition, this alteration is predicted to be tolerated by in silico analysis. Based on the available evidence, the clinical significance of this variant remains unclear.

NM_004304.5(ALK):c.4838A>C (p.Asn1613Thr)

Gene: ALK (ALK receptor tyrosine kinase; minus strand). Cytogenetic location: 2p23.2.
Variant type: single nucleotide variant.
Coding change: c.4838A>C on transcript NM_004304.5 (MANE Select); coding-DNA position 4838, A replaced by C.
Protein change: p.Asn1613Thr; replaces asparagine 1613 with threonine.
Molecular consequence: missense variant.
Genome position (GRCh38, 1-based): chr2:29,193,249, T>G on the plus strand (A>C on the coding strand, the complement: ALK is on the minus strand). VCF-style: chr2-29193249-T-G. GRCh37 (hg19) VCF-style: chr2-29416115-T-G.
Other names: c.1634A>C, p.Asn545Thr (NM_001353765.2); short protein forms N1613T, N545T.
Identifiers: ClinVar variation 3524716 (VCV003524716.2).